The following is an entry in ClinVar:

NM_177438.3(DICER1):c.1770T>C (p.Cys590=)

Gene: DICER1 (dicer 1, ribonuclease III; minus strand). Cytogenetic location: 14q32.13.
Variant type: single nucleotide variant.
Coding change: c.1770T>C on transcript NM_177438.3 (MANE Select); coding-DNA position 1770, T replaced by C.
Protein change: p.Cys590=; no amino-acid change (cysteine 590 retained).
Molecular consequence: synonymous variant.
Genome position (GRCh38, 1-based): chr14:95,115,804, A>G on the plus strand (T>C on the coding strand, the complement: DICER1 is on the minus strand). VCF-style: chr14-95115804-A-G. GRCh37 (hg19) VCF-style: chr14-95582141-A-G.
Other names: c.1770T>C, p.Cys590= (NM_001195573.1, NM_001271282.3, NM_001291628.2 and 1 more transcripts).
Identifiers: ClinVar variation 417112 (VCV000417112.21), dbSNP rs777355058, ClinGen allele CA7331404.

ClinVar aggregate classification (germline): Benign/Likely benign. Review status: criteria provided, multiple submitters, no conflicts (2 of 4 stars). 6 submissions from 6 submitters: Benign (1); Likely benign (5). Last evaluated 2026-04-16.

Conditions:
DICER1-related disorder. Also called: DICER1-related condition.
Global developmental delay - lung cysts - overgrowth - Wilms tumor syndrome. Also called: GLOW Syndrome; GLOBAL DEVELOPMENTAL DELAY, LUNG CYSTS, OVERGROWTH, AND WILMS TUMOR. Identifiers: Orphanet 404476, MedGen C4748924, MONDO:0018445, OMIM 618272.
Pleuropulmonary blastoma (PPB). Identifiers: Orphanet 64742, MedGen C1266144, MONDO:0011014, OMIM 601200, HP:0100528.
Euthyroid goiter (MNG1). Also called: SIMPLE GOITER; GOITER, NONTOXIC, WITH INTRATHYROIDAL CALCIFICATION; Goiter, multinodular 1, with or without Sertoli-Leydig cell tumors; MULTINODULAR GOITER, ADOLESCENT. Identifiers: Orphanet 276399, MedGen C0302859, MONDO:0007681, OMIM 138800, HP:0009798.
Rhabdomyosarcoma, embryonal, 2 (RMSE2). Identifiers: MedGen C1867234, MONDO:0859046, OMIM 180295.
DICER1-related tumor predisposition. Also called: DICER1 syndrome; DICER1-related pleuropulmonary blastoma cancer predisposition syndrome. Identifiers: Orphanet 284343, MedGen C3839822, MONDO:0100216.
Hereditary cancer-predisposing syndrome. Also called: Hereditary Cancer Syndrome; Tumor predisposition; Hereditary neoplastic syndrome; Neoplastic Syndromes, Hereditary. Identifiers: Orphanet 140162, MedGen C0027672, MeSH D009386, MONDO:0015356.

Allele frequency attached by ClinVar (database versions not stated): gnomAD exomes below 0.00001 and 0.00001; ExAC 0.00001; gnomAD 0.00001; TOPMed 0.00001.
gnomAD v4.1: 12 of 1,614,054 alleles (0.00074%); highest among the groups gnomAD compares: African/African-American, 0.0013%; no homozygotes.

Submissions (6):

Myriad Genetics, Inc.
Classification: Benign for DICER1-related tumor predisposition. Last evaluated: 2026-04-16. Review status: criteria provided, single submitter. Criteria: Myriad Autosomal Dominant, Autosomal Recessive and X-Linked Classification Criteria (2023). Collection method: clinical testing. Allele origin: unknown.
Comment: This variant is considered benign. This variant is a silent/synonymous amino acid change and it is not expected to impact splicing.

Labcorp Genetics (formerly Invitae), Labcorp
Classification: Likely benign for DICER1-related tumor predisposition. Last evaluated: 2025-10-30. Review status: criteria provided, single submitter. Criteria: Invitae Variant Classification Sherloc (09022015). Collection method: clinical testing. Allele origin: germline.

PreventionGenetics, part of Exact Sciences
Classification: Likely benign for DICER1-related condition. Last evaluated: 2025-10-30. Review status: criteria provided, single submitter. Criteria: ACMG Guidelines, 2015. Collection method: clinical testing. Allele origin: germline.
Comment: This variant is classified as likely benign based on ACMG/AMP sequence variant interpretation guidelines (Richards et al. 2015 PMID: 25741868, with internal and published modifications).

Fulgent Genetics
Classification: Likely benign for Euthyroid goiter; Rhabdomyosarcoma, embryonal, 2; Pleuropulmonary blastoma; Global developmental delay - lung cysts - overgrowth - Wilms tumor syndrome. Last evaluated: 2021-08-18. Review status: criteria provided, single submitter. Criteria: ACMG Guidelines, 2015. Collection method: clinical testing. Allele origin: unknown.

Blueprint Genetics
Classification: Likely benign. Last evaluated: 2019-07-02. Review status: criteria provided, single submitter. Criteria: ACMG Guidelines, 2015. Collection method: clinical testing. Allele origin: germline.

Ambry Genetics
Classification: Likely benign for Hereditary cancer-predisposing syndrome. Last evaluated: 2018-06-27. Review status: criteria provided, single submitter. Criteria: Ambry Variant Classification Scheme 2023. Collection method: clinical testing. Allele origin: germline.